The following is an entry in ClinVar:

ClinVar aggregate classification (germline): Pathogenic (1 of 4 stars; one submission).

Conditions:
Primary hyperoxaluria, type I (HP1). Also called: OXALOSIS I; Primary hyperoxaluria type 1; GLYCOLIC ACIDURIA; HEPATIC AGT DEFICIENCY. Identifiers: Orphanet 416, Orphanet 93598, MedGen C0268164, MONDO:0009823, OMIM 259900. Disease mechanism: loss of function.

Submission:

Clinical Biochemistry Laboratory, Health Services Laboratory
Classification: Pathogenic for Primary hyperoxaluria, type I. Last evaluated: 2023-10-27. Review status: criteria provided, single submitter. Criteria: ACMG Guidelines, 2015. Collection method: curation. Allele origin: germline. Affected: yes.
Comment: PVS1 PM2 PP3

Literature cited by the submitters: PubMed 27915025.

NM_000030.3(AGXT):c.458T>A (p.Leu153Ter)

Gene: AGXT (alanine--glyoxylate aminotransferase; plus strand). Cytogenetic location: 2q37.3.
Variant type: single nucleotide variant.
Coding change: c.458T>A on transcript NM_000030.3 (MANE Select); coding-DNA position 458, T replaced by A.
Protein change: p.Leu153Ter; replaces leucine 153 with a stop codon.
Molecular consequence: nonsense.
Genome position (GRCh38, 1-based): chr2:240,871,383, T>A. VCF-style: chr2-240871383-T-A. GRCh37 (hg19) VCF-style: chr2-241810800-T-A.
Other names: short protein forms L153*.
Identifiers: ClinVar variation 2681167 (VCV002681167.1), dbSNP rs2528744495, ClinGen allele CA351315850.